The following is an entry in ClinVar:

NM_000093.5(COL5A1):c.3523G>C (p.Glu1175Gln)

Gene: COL5A1 (collagen type V alpha 1 chain; plus strand). Cytogenetic location: 9q34.3.
Variant type: single nucleotide variant.
Coding change: c.3523G>C on transcript NM_000093.5 (MANE Select); coding-DNA position 3523, G replaced by C.
Protein change: p.Glu1175Gln; replaces glutamic acid 1175 with glutamine.
Molecular consequence: missense variant.
Genome position (GRCh38, 1-based): chr9:134,810,303, G>C. VCF-style: chr9-134810303-G-C. GRCh37 (hg19) VCF-style: chr9-137702149-G-C.
Other names: c.3523G>C, p.Glu1175Gln (NM_001278074.1); short protein forms E1175Q.
Identifiers: ClinVar variation 3769715 (VCV003769715.2).
Genomic context (GRCh38, chr9:134,810,303, plus strand): 5'-ACCTTCCCCTAGGGAGAGATCGGGGAGCCGGGGCAGAAAGGAAGCAAGGGGGACAAAGGA[G>C]AACAGGTAAGTATTGGCACGGGGGCGCGCGGCAGCCCCCAGGTCCCGGGGGGCCTCGTCG-3'
Protein context (NP_000084.3, residues 1165-1185): GQKGSKGDKG[Glu1175Gln]QGPPGPTGPQ

ClinVar aggregate classification (germline): Uncertain significance. Review status: criteria provided, multiple submitters, no conflicts (2 of 4 stars). 2 submissions from 2 submitters: Uncertain significance (2). Last evaluated 2024-12-12.

Conditions:
COL5A1-related disorder. Also called: COL5A1-related condition.

Submissions (2):

PreventionGenetics, part of Exact Sciences
Classification: Uncertain significance for COL5A1-related condition. Last evaluated: 2024-12-12. Review status: criteria provided, single submitter. Criteria: ACMG Guidelines, 2015. Collection method: clinical testing. Allele origin: germline.
Comment: The COL5A1 c.3523G>C variant is predicted to result in the amino acid substitution p.Glu1175Gln. To our knowledge, this variant has not been reported in the literature or in a large population database (gnomAD), indicating this variant is rare. At this time, the clinical significance of this variant is uncertain due to the absence of conclusive functional and genetic evidence.

GeneDx
Classification: Uncertain significance. Last evaluated: 2024-09-13. Review status: criteria provided, single submitter. Criteria: GeneDx Variant Classification Process June 2021. Collection method: clinical testing. Allele origin: germline. Affected: yes.
Comment: Not observed at significant frequency in large population cohorts (gnomAD); In silico analysis indicates that this missense variant does not alter protein structure/function; Occurs in the triple helical domain at the X position in the canonical Gly-X-Y repeat; although this variant may have an effect on normal protein folding and function, missense substitution at the X position is not a common mechanism of disease (PMID: 22696272; HGMD); Has not been previously published as pathogenic or benign to our knowledge; This variant is associated with the following publications: (PMID: 22696272)